The following is an entry in ClinVar:

ClinVar aggregate classification (germline): Uncertain significance (1 of 4 stars; one submission).

Submission:

Labcorp Genetics (formerly Invitae), Labcorp
Classification: Uncertain significance. Last evaluated: 2024-08-23. Review status: criteria provided, single submitter. Criteria: Invitae Variant Classification Sherloc (09022015). Collection method: clinical testing. Allele origin: germline.
Comment: This sequence change replaces lysine, which is basic and polar, with arginine, which is basic and polar, at codon 170 of the ITGB3 protein (p.Lys170Arg). This variant is not present in population databases (gnomAD no frequency). This variant has not been reported in the literature in individuals affected with ITGB3-related conditions. Invitae Evidence Modeling of protein sequence and biophysical properties (such as structural, functional, and spatial information, amino acid conservation, physicochemical variation, residue mobility, and thermodynamic stability) indicates that this missense variant is not expected to disrupt ITGB3 protein function with a negative predictive value of 80%. In summary, the available evidence is currently insufficient to determine the role of this variant in disease. Therefore, it has been classified as a Variant of Uncertain Significance.

NM_000212.3(ITGB3):c.509A>G (p.Lys170Arg)

Gene: ITGB3 (integrin subunit beta 3; plus strand). Cytogenetic location: 17q21.32.
Variant type: single nucleotide variant.
Coding change: c.509A>G on transcript NM_000212.3 (MANE Select); coding-DNA position 509, A replaced by G.
Protein change: p.Lys170Arg; replaces lysine 170 with arginine.
Molecular consequence: missense variant.
Genome position (GRCh38, 1-based): chr17:47,284,590, A>G. VCF-style: chr17-47284590-A-G. GRCh37 (hg19) VCF-style: chr17-45361956-A-G.
Other names: short protein forms K170R.
Identifiers: ClinVar variation 3663314 (VCV003663314.2).
Genomic context (GRCh38, chr17:47,284,590, plus strand): 5'-TGAAGGATGATCTGTGGAGCATCCAGAACCTGGGTACCAAGCTGGCCACCCAGATGCGAA[A>G]GCTCACCAGTAACCTGCGGATTGGCTTCGGGGCATTTGTGGACAAGCCTGTGTCACCATA-3'
Protein context (NP_000203.2, residues 160-180): LGTKLATQMR[Lys170Arg]LTSNLRIGFG